The following is an entry in ClinVar:

NM_001372106.1(DNAH10):c.11255C>A (p.Ala3752Glu)

Genes: DNAH10 (dynein axonemal heavy chain 10; plus strand), LOC126861667 (CDK7 strongly-dependent group 2 enhancer GRCh37_chr12:124402328-124403527; plus strand). Cytogenetic location: 12q24.31.
Variant type: single nucleotide variant.
Coding change: c.11255C>A on transcript NM_001372106.1 (MANE Select); coding-DNA position 11255, C replaced by A.
Protein change: p.Ala3752Glu; replaces alanine 3752 with glutamic acid.
Molecular consequence: missense variant.
Genome position (GRCh38, 1-based): chr12:123,918,698, C>A. VCF-style: chr12-123918698-C-A. GRCh37 (hg19) VCF-style: chr12-124403245-C-A.
Other names: c.10901C>A, p.Ala3634Glu (NM_207437.3); short protein forms A3634E, A3752E.
Identifiers: ClinVar variation 4983033 (VCV004983033.1).

ClinVar aggregate classification (germline): Uncertain significance (1 of 4 stars; one submission).

Conditions:
DNAH10-related disorder. Also called: DNAH10-related condition.

gnomAD v4.1: 2 of 1,561,612 alleles (0.00013%); highest among the groups gnomAD compares: Non-Finnish European, 0.000087%; no homozygotes.

Submission:

PreventionGenetics, part of Exact Sciences
Classification: Uncertain significance for DNAH10-related condition. Last evaluated: 2025-12-18. Review status: criteria provided, single submitter. Criteria: ACMG Guidelines, 2015. Collection method: clinical testing. Allele origin: germline.
Comment: The DNAH10 c.10901C>A variant is predicted to result in the amino acid substitution p.Ala3634Glu. To our knowledge, this variant has not been reported in the literature. This variant is reported in 0.015% of alleles in individuals of Ashkenazi Jewish descent in gnomAD. At this time, the clinical significance of this variant is uncertain due to the absence of conclusive functional and genetic evidence.